The following is an entry in ClinVar:

ClinVar aggregate classification (germline): Likely benign. Review status: criteria provided, single submitter (1 of 4 stars). 2 submissions from 2 submitters: Likely benign (1). 1 of the submissions does not count toward it. Last evaluated 2026-01-25.

Conditions:
UDPglucose-4-epimerase deficiency. Also called: UDPglucose 4-Epimerase Deficiency Disease; Epimerase Deficiency Galactosemia; GALACTOSEMIA III; GALE DEFICIENCY; UDP-GALACTOSE-4-EPIMERASE DEFICIENCY; Galactose epimerase deficiency. Identifiers: Orphanet 352, Orphanet 79238, MedGen C0751161, MONDO:0009257, OMIM 230350.
GALE-related disorder. Also called: GALE-related condition.

Allele frequency attached by ClinVar (database versions not stated): ExAC 0.00005; gnomAD 0.00011; TOPMed 0.00014.

Submissions (2):

Labcorp Genetics (formerly Invitae), Labcorp
Classification: Likely benign for UDPglucose-4-epimerase deficiency. Last evaluated: 2026-01-25. Review status: criteria provided, single submitter. Criteria: Invitae Variant Classification Sherloc (09022015). Collection method: clinical testing. Allele origin: germline.

PreventionGenetics, part of Exact Sciences
Classification: Likely benign for GALE-related condition. Last evaluated: 2019-09-10. Review status: no assertion criteria provided. Collection method: clinical testing. Allele origin: germline. Not counted in ClinVar's aggregate classification.
Comment: This variant is classified as likely benign based on ACMG/AMP sequence variant interpretation guidelines (Richards et al. 2015 PMID: 25741868, with internal and published modifications).

NM_001008216.2(GALE):c.989-9G>A

Gene: GALE (UDP-galactose-4-epimerase; minus strand). Cytogenetic location: 1p36.11.
Variant type: single nucleotide variant.
Coding change: c.989-9G>A on transcript NM_001008216.2 (MANE Select); 9 bases into the intron before coding-DNA position 989, G replaced by A.
Molecular consequence: intron variant.
Genome position (GRCh38, 1-based): chr1:23,796,016, C>T on the plus strand (G>A on the coding strand, the complement: GALE is on the minus strand). VCF-style: chr1-23796016-C-T. GRCh37 (hg19) VCF-style: chr1-24122506-C-T.
Other names: c.989-9G>A (NM_000403.4, NM_001127621.2, NM_000403.3).
Identifiers: ClinVar variation 2746626 (VCV002746626.5), dbSNP rs776568254, ClinGen allele CA685402.